The following is an entry in ClinVar:

NM_001033855.3(DCLRE1C):c.1545dup (p.Ser516fs)

Gene: DCLRE1C (DNA cross-link repair 1C; minus strand). Cytogenetic location: 10p13.
Variant type: Duplication.
Coding change: c.1545dup on transcript NM_001033855.3 (MANE Select); coding-DNA position 1545, one base duplicated (A; older notation c.1545dupA).
Protein change: p.Ser516fs; shifts the reading frame from serine 516.
Molecular consequence: frameshift variant. On other transcripts: non-coding transcript variant (4).
Genome position (GRCh38, 1-based): chr10:14,908,942, T duplicated on the plus strand (A on the coding strand, the reverse complement: DCLRE1C is on the minus strand). VCF-style (leftmost placement, unchanged base first): chr10-14908941-A-AT. GRCh37 (hg19) VCF-style: chr10-14950940-A-AT.
Other names: c.1200dup, p.Ser401fs (NM_022487.4, NM_001289076.2, NM_001289078.2 and 1 more transcripts); c.1185dup, p.Ser396fs (NM_001033857.3, NM_001033858.3, NM_001289077.2 and 2 more transcripts); c.1545dup, p.Ser516fs (NM_001350965.2); short protein forms S401fs, S396fs, S516fs.
Identifiers: ClinVar variation 1453056 (VCV001453056.8), dbSNP rs2131775605, ClinGen allele CA2573145021.

ClinVar aggregate classification (germline): Pathogenic (1 of 4 stars; one submission).

Conditions:
Severe combined immunodeficiency due to DCLRE1C deficiency (RS-SCID). Also called: SCID, AUTOSOMAL RECESSIVE, T CELL-NEGATIVE, B CELL-NEGATIVE, NK CELL-POSITIVE, WITH SENSITIVITY TO IONIZING RADIATION. Identifiers: Orphanet 275, MedGen C1865371, MONDO:0011225, OMIM 602450.

Allele frequency attached by ClinVar (database versions not stated): gnomAD exomes below 0.00001.

Submission:

Labcorp Genetics (formerly Invitae), Labcorp
Classification: Pathogenic for Athabaskan severe combined immunodeficiency. Last evaluated: 2022-08-04. Review status: criteria provided, single submitter. Criteria: Invitae Variant Classification Sherloc (09022015). Collection method: clinical testing. Allele origin: germline.
Comment: This sequence change creates a premature translational stop signal (p.Ser516Ilefs*9) in the DCLRE1C gene. While this is not anticipated to result in nonsense mediated decay, it is expected to disrupt the last 177 amino acid(s) of the DCLRE1C protein. This variant is not present in population databases (gnomAD no frequency). This variant has not been reported in the literature in individuals affected with DCLRE1C-related conditions. ClinVar contains an entry for this variant (Variation ID: 1453056). This variant disrupts a region of the DCLRE1C protein in which other variant(s) (p.Thr557Asnfs*21) have been determined to be pathogenic (PMID: 26476407). This suggests that this is a clinically significant region of the protein, and that variants that disrupt it are likely to be disease-causing. For these reasons, this variant has been classified as Pathogenic.

Literature cited by the submitters: PubMed 26476407.